The following is an entry in ClinVar:

NM_018897.3(DNAH7):c.1920C>T (p.Ile640=)

Gene: DNAH7 (dynein axonemal heavy chain 7; minus strand). Cytogenetic location: 2q32.3.
Variant type: single nucleotide variant.
Coding change: c.1920C>T on transcript NM_018897.3 (MANE Select); coding-DNA position 1920, C replaced by T.
Protein change: p.Ile640=; no amino-acid change (isoleucine 640 retained).
Molecular consequence: synonymous variant.
Genome position (GRCh38, 1-based): chr2:195,972,380, G>A on the plus strand (C>T on the coding strand, the complement: DNAH7 is on the minus strand). VCF-style: chr2-195972380-G-A. GRCh37 (hg19) VCF-style: chr2-196837104-G-A.
Identifiers: ClinVar variation 3051379 (VCV003051379.2), dbSNP rs142589377, ClinGen allele CA2036486.

ClinVar aggregate classification (germline): Likely benign (0 of 4 stars; one submission).

Conditions:
DNAH7-related disorder. Also called: DNAH7-related condition.

Allele frequency attached by ClinVar (database versions not stated): ExAC 0.00051; TOPMed 0.00075; ESP Exome Variant Server 0.00084; 1000 Genomes Project 0.00220; 1000 Genomes Project 30x 0.00250.
gnomAD v4.1: 385 of 1,613,984 alleles (0.024%); highest among the groups gnomAD compares: East Asian, 0.5%; 3 homozygotes.

Submission:

PreventionGenetics, part of Exact Sciences
Classification: Likely benign for DNAH7-related condition. Last evaluated: 2020-01-14. Review status: no assertion criteria provided. Collection method: clinical testing. Allele origin: germline.
Comment: This variant is classified as likely benign based on ACMG/AMP sequence variant interpretation guidelines (Richards et al. 2015 PMID: 25741868, with internal and published modifications).